The following is an entry in ClinVar:

NM_000062.3(SERPING1):c.1367C>A (p.Ala456Glu)

Gene: SERPING1 (serpin family G member 1; plus strand). Cytogenetic location: 11q12.1.
Variant type: single nucleotide variant.
Coding change: c.1367C>A on transcript NM_000062.3 (MANE Select); coding-DNA position 1367, C replaced by A.
Protein change: p.Ala456Glu; replaces alanine 456 with glutamic acid.
Molecular consequence: missense variant.
Genome position (GRCh38, 1-based): chr11:57,614,445, C>A. VCF-style: chr11-57614445-C-A. GRCh37 (hg19) VCF-style: chr11-57381918-C-A.
Other names: c.1367C>A, p.Ala456Glu (NM_001032295.2); short protein forms A456E.
Identifiers: ClinVar variation 3256135 (VCV003256135.4).

ClinVar aggregate classification (germline): Conflicting classifications of pathogenicity. Review status: criteria provided, conflicting classifications (1 of 4 stars). 2 submissions from 2 submitters: Pathogenic (1); Uncertain significance (1). Last evaluated 2024-07-30.

Conditions:
Hereditary angioedema type 1 (HAE1). Identifiers: Orphanet 100050, Orphanet 100051, Orphanet 91378, MedGen C2717906, MONDO:0015053, OMIM 106100.

Submissions (2):

Labcorp Genetics (formerly Invitae), Labcorp
Classification: Uncertain significance. Last evaluated: 2024-07-30. Review status: criteria provided, single submitter. Criteria: Invitae Variant Classification Sherloc (09022015). Collection method: clinical testing. Allele origin: germline.
Comment: This sequence change replaces alanine, which is neutral and non-polar, with glutamic acid, which is acidic and polar, at codon 456 of the SERPING1 protein (p.Ala456Glu). This variant is not present in population databases (gnomAD no frequency). This missense change has been observed in individual(s) with hereditary angioedema (PMID: 2026621). This variant is also known as Ala434Glu. Advanced modeling of protein sequence and biophysical properties (such as structural, functional, and spatial information, amino acid conservation, physicochemical variation, residue mobility, and thermodynamic stability) performed at Invitae indicates that this missense variant is expected to disrupt SERPING1 protein function with a positive predictive value of 80%. Experimental studies have shown that this missense change affects SERPING1 function (PMID: 2026621). In summary, the available evidence is currently insufficient to determine the role of this variant in disease. Therefore, it has been classified as a Variant of Uncertain Significance.

DNA-diagnostics Laboratory, Research Centre For Medical Genetics
Classification: Pathogenic for Hereditary angioedema type 1. Last evaluated: 2024-07-28. Review status: criteria provided, single submitter. Criteria: ACMG Guidelines, 2015. Collection method: research. Allele origin: germline. Inheritance: Autosomal dominant inheritance. Affected: yes. Observed: 1 heterozygote.
Comment: According to our observation and the published information (Skriver et al., 1991, Blanch et al., 2002, Speletas et al., 2015), the c.1367C>A variant in SERPING1 meets ACMG/ClinGen SVI guidance criteria to be classified as pathogenic: PM6, PS4_Mod, PP3_Mod, PP4_Mod, PM2_Sup, PP2

Literature cited by the submitters: PubMed 2026621 (cited by Labcorp Genetics (formerly Invitae), Labcorp and DNA-diagnostics Laboratory, Research Centre For Medical Genetics); DOI 10.1002/humu.9073 (cited by DNA-diagnostics Laboratory, Research Centre For Medical Genetics); DOI 10.1016/j.jaci.2014.08.007 (cited by DNA-diagnostics Laboratory, Research Centre For Medical Genetics).